The following is an entry in ClinVar:

NM_001458.5(FLNC):c.797C>T (p.Ala266Val)

Gene: FLNC (filamin C; plus strand). Cytogenetic location: 7q32.1.
Variant type: single nucleotide variant.
Coding change: c.797C>T on transcript NM_001458.5 (MANE Select); coding-DNA position 797, C replaced by T.
Protein change: p.Ala266Val; replaces alanine 266 with valine.
Molecular consequence: missense variant.
Genome position (GRCh38, 1-based): chr7:128,837,495, C>T. VCF-style: chr7-128837495-C-T. GRCh37 (hg19) VCF-style: chr7-128477549-C-T.
Other names: c.797C>T, p.Ala266Val (NM_001127487.2); short protein forms A266V.
Identifiers: ClinVar variation 2073639 (VCV002073639.5), dbSNP rs2536618425, ClinGen allele CA369222500.

ClinVar aggregate classification (germline): Uncertain significance. Review status: criteria provided, multiple submitters, no conflicts (2 of 4 stars). 2 submissions from 2 submitters: Uncertain significance (2). Last evaluated 2026-07-02.

Conditions:
Cardiovascular phenotype. Identifiers: MedGen CN230736.
Myofibrillar myopathy 5. Also called: Filaminopathy (type); FILAMINOPATHY, AUTOSOMAL DOMINANT. Identifiers: Orphanet 171445, MedGen C1836050, MONDO:0012289, OMIM 609524.
Hypertrophic cardiomyopathy 26. Also called: Cardiomyopathy, familial hypertrophic, 26. Identifiers: Orphanet 75249, MedGen C4310749, MONDO:0014883, OMIM 617047.
Distal myopathy with posterior leg and anterior hand involvement. Also called: WILLIAMS DISTAL MYOPATHY. Identifiers: Orphanet 63273, MedGen C3279722, MONDO:0013550, OMIM 614065.

Submissions (2):

Ambry Genetics
Classification: Uncertain significance for Cardiovascular phenotype. Last evaluated: 2026-07-02. Review status: criteria provided, single submitter. Criteria: Ambry Variant Classification Scheme 2023. Collection method: clinical testing. Allele origin: germline.

Labcorp Genetics (formerly Invitae), Labcorp
Classification: Uncertain significance for Distal myopathy with posterior leg and anterior hand involvement; Myofibrillar myopathy 5; Hypertrophic cardiomyopathy 26. Last evaluated: 2024-03-01. Review status: criteria provided, single submitter. Criteria: Invitae Variant Classification Sherloc (09022015). Collection method: clinical testing. Allele origin: germline.
Comment: This sequence change replaces alanine, which is neutral and non-polar, with valine, which is neutral and non-polar, at codon 266 of the FLNC protein (p.Ala266Val). This variant is not present in population databases (gnomAD no frequency). This variant has not been reported in the literature in individuals affected with FLNC-related conditions. ClinVar contains an entry for this variant (Variation ID: 2073639). Advanced modeling of protein sequence and biophysical properties (such as structural, functional, and spatial information, amino acid conservation, physicochemical variation, residue mobility, and thermodynamic stability) has been performed at Invitae for this missense variant, however the output from this modeling did not meet the statistical confidence thresholds required to predict the impact of this variant on FLNC protein function. In summary, the available evidence is currently insufficient to determine the role of this variant in disease. Therefore, it has been classified as a Variant of Uncertain Significance.